The following is an entry in ClinVar:

NM_006206.6(PDGFRA):c.423G>T (p.Glu141Asp)

Gene: PDGFRA (platelet derived growth factor receptor alpha; plus strand). Cytogenetic location: 4q12.
Variant type: single nucleotide variant.
Coding change: c.423G>T on transcript NM_006206.6 (MANE Select); coding-DNA position 423, G replaced by T.
Protein change: p.Glu141Asp; replaces glutamic acid 141 with aspartic acid.
Molecular consequence: missense variant.
Genome position (GRCh38, 1-based): chr4:54,263,722, G>T. VCF-style: chr4-54263722-G-T. GRCh37 (hg19) VCF-style: chr4-55129889-G-T.
Other names: c.423G>T, p.Glu141Asp (NM_001347827.2, NM_001347829.2); c.498G>T, p.Glu166Asp (NM_001347828.2); c.462G>T, p.Glu154Asp (NM_001347830.2); short protein forms E141D, E154D, E166D.
Identifiers: ClinVar variation 528611 (VCV000528611.11), dbSNP rs1187957560, ClinGen allele CA356889779.
Genomic context (GRCh38, chr4:54,263,722, plus strand): 5'-CACAGACCCAGATGTAGCCTTTGTACCTCTAGGAATGACGGATTATTTAGTCATCGTGGA[G>T]GATGATGATTCTGCCATTATACCTTGTCGCACAACTGATCCCGAGACTCCTGTAACCTTA-3'
Protein context (NP_006197.1, residues 131-151): LGMTDYLVIV[Glu141Asp]DDDSAIIPCR

ClinVar aggregate classification (germline): Uncertain significance. Review status: criteria provided, multiple submitters, no conflicts (2 of 4 stars). 2 submissions from 2 submitters: Uncertain significance (2). Last evaluated 2026-01-06.

Conditions:
Gastrointestinal stromal tumor. Also called: Gastrointestinal stroma tumor; Gastrointestinal stromal tumor, somatic. Identifiers: Orphanet 44890, MedGen C0238198, MeSH D046152, MONDO:0011719, OMIM 606764, HP:0100723.
Hereditary cancer-predisposing syndrome. Also called: Tumor predisposition; Hereditary neoplastic syndrome; Hereditary Cancer Syndrome; Neoplastic Syndromes, Hereditary. Identifiers: Orphanet 140162, MedGen C0027672, MeSH D009386, MONDO:0015356.

Allele frequency attached by ClinVar (database versions not stated): gnomAD 0.00001; TOPMed 0.00001.
gnomAD v4.1: 1 of 1,613,562 alleles (0.000062%); highest among the groups gnomAD compares: Non-Finnish European, 0.000085%; no homozygotes.

Submissions (2):

Labcorp Genetics (formerly Invitae), Labcorp
Classification: Uncertain significance for Gastrointestinal stromal tumor. Last evaluated: 2026-01-06. Review status: criteria provided, single submitter. Criteria: Invitae Variant Classification Sherloc (09022015). Collection method: clinical testing. Allele origin: germline.
Comment: This sequence change replaces glutamic acid, which is acidic and polar, with aspartic acid, which is acidic and polar, at codon 141 of the PDGFRA protein (p.Glu141Asp). This variant is not present in population databases (gnomAD no frequency). This variant has not been reported in the literature in individuals affected with PDGFRA-related conditions. ClinVar contains an entry for this variant (Variation ID: 528611). Invitae Evidence Modeling of protein sequence and biophysical properties (such as structural, functional, and spatial information, amino acid conservation, physicochemical variation, residue mobility, and thermodynamic stability) indicates that this missense variant is not expected to disrupt PDGFRA protein function with a negative predictive value of 80%. In summary, the available evidence is currently insufficient to determine the role of this variant in disease. Therefore, it has been classified as a Variant of Uncertain Significance.

Ambry Genetics
Classification: Uncertain significance for Hereditary cancer-predisposing syndrome. Last evaluated: 2025-11-11. Review status: criteria provided, single submitter. Criteria: Ambry Variant Classification Scheme 2023. Collection method: clinical testing. Allele origin: germline.
Comment: The p.E141D variant (also known as c.423G>T), located in coding exon 3 of the PDGFRA gene, results from a G to T substitution at nucleotide position 423. The glutamic acid at codon 141 is replaced by aspartic acid, an amino acid with highly similar properties. This amino acid position is conserved. In addition, this alteration is predicted to be tolerated by in silico analysis. Since supporting evidence is limited at this time, the clinical significance of this alteration remains unclear.